The following is an entry in ClinVar:

NM_000548.5(TSC2):c.2539del (p.Leu847fs)

Gene: TSC2 (TSC complex subunit 2; plus strand). Cytogenetic location: 16p13.3.
Variant type: Deletion.
Coding change: c.2539del on transcript NM_000548.5 (MANE Select); coding-DNA position 2539, one base deleted (C; older notation c.2539delC).
Protein change: p.Leu847fs; shifts the reading frame from leucine 847.
Molecular consequence: frameshift variant.
Genome position (GRCh38, 1-based): chr16:2,074,383, C deleted; the last of 2 consecutive C bases (chr16:2,074,382-2,074,383); deleting either gives the same sequence. VCF-style (leftmost placement, unchanged base first): chr16-2074381-TC-T. GRCh37 (hg19) VCF-style: chr16-2124382-TC-T.
Other names: p.Leu847Cysfs*47; c.2539del, p.Leu847fs (NM_001077183.3, NM_001114382.3, NM_001363528.2 and 3 more transcripts); c.2428del, p.Leu810fs (NM_001318827.2); c.2392del, p.Leu798fs (NM_001318829.2); c.1939del, p.Leu647fs (NM_001318831.2); c.2572del, p.Leu858fs (NM_001318832.2); short protein forms L647fs, L798fs, L810fs, L847fs, L858fs.
Identifiers: ClinVar variation 49213 (VCV000049213.8), dbSNP rs137854140, ClinGen allele CA017584.

ClinVar aggregate classification (germline): Pathogenic. Review status: criteria provided, multiple submitters, no conflicts (2 of 4 stars). 3 submissions from 3 submitters: Pathogenic (2). 1 of the submissions does not count toward it. Last evaluated 2025-11-03.

Conditions:
Tuberous sclerosis syndrome (TSC). Also called: Tuberous Sclerosis Complex; Tuberous sclerosis. Identifiers: Orphanet 805, MedGen C0041341, MONDO:0001734.
Tuberous sclerosis 2 (TSC2). Identifiers: Orphanet 805, MedGen C1860707, MONDO:0013199, OMIM 613254.

Submissions (3):

Labcorp Genetics (formerly Invitae), Labcorp
Classification: Pathogenic for Tuberous sclerosis 2. Last evaluated: 2025-11-03. Review status: criteria provided, single submitter. Criteria: Invitae Variant Classification Sherloc (09022015). Collection method: clinical testing. Allele origin: germline.
Comment: This sequence change creates a premature translational stop signal (p.Leu847Cysfs*47) in the TSC2 gene. It is expected to result in an absent or disrupted protein product. Loss-of-function variants in TSC2 are known to be pathogenic (PMID: 10205261, 17304050). This variant is not present in population databases (gnomAD no frequency). This premature translational stop signal has been observed in individuals with tuberous sclerosis complex (PMID: 16981987, 18772611). This variant is also known as c.2538delC. ClinVar contains an entry for this variant (Variation ID: 49213). For these reasons, this variant has been classified as Pathogenic.

Mayo Clinic Laboratories, Mayo Clinic
Classification: Pathogenic. Last evaluated: 2023-07-25. Review status: criteria provided, single submitter. Criteria: ACMG Guidelines, 2015. Collection method: clinical testing. Allele origin: germline. Observed: 1 variant allele.
Comment: PP4, PM2_moderate, PS4_moderate, PVS1

Tuberous sclerosis database (TSC2)
No classification provided. Condition: TSC. Review status: no classification provided. Criteria: Tuberous Sclerosis Database Assertion Criteria 2015. Collection method: curation. Allele origin: germline. Affected: yes. Not counted in ClinVar's aggregate classification.

Literature cited by the submitters: PubMed 10205261 (cited by Labcorp Genetics (formerly Invitae), Labcorp); PubMed 17304050 (cited by Labcorp Genetics (formerly Invitae), Labcorp); PubMed 16981987 (cited by Labcorp Genetics (formerly Invitae), Labcorp and Mayo Clinic Laboratories, Mayo Clinic); PubMed 18772611 (cited by Labcorp Genetics (formerly Invitae), Labcorp and Mayo Clinic Laboratories, Mayo Clinic); PubMed 29432982 (cited by Mayo Clinic Laboratories, Mayo Clinic).